The following is an entry in ClinVar:

ClinVar aggregate classification (germline): Pathogenic. Review status: criteria provided, single submitter (1 of 4 stars). 2 submissions from 2 submitters: Pathogenic (1). 1 of the submissions does not count toward it. Last evaluated 2022-03-01.

Conditions:
Friedreich ataxia (FRDA). Also called: Friedreich's ataxia; Spinocerebellar ataxia, Friedreich; Hereditary spinal sclerosis; Hereditary spinal ataxia. Identifiers: Orphanet 95, MedGen C0016719, MONDO:0100339, MONDO:0009245.

Submissions (2):

CeGaT Center for Human Genetics Tuebingen
Classification: Pathogenic. Last evaluated: 2022-03-01. Review status: criteria provided, single submitter. Criteria: CeGaT Center For Human Genetics Tuebingen Variant Classification Criteria Version 2. Collection method: clinical testing. Allele origin: germline. Affected: yes. Observed: 2 variant alleles.
Comment: FXN: PM3:Very Strong, PVS1, PM2

OMIM
Classification: Pathogenic for FRIEDREICH ATAXIA. Last evaluated: 2007-11-01. Review status: no assertion criteria provided. Collection method: literature only. Allele origin: germline. Not counted in ClinVar's aggregate classification.

Literature cited by the submitters: PubMed 17703324 (cited by OMIM).

NM_000144.5(FXN):c.157del (p.Arg53fs)

Genes: FXN (frataxin; plus strand), LOC130001862 (ATAC-STARR-seq lymphoblastoid silent region 19931; plus strand). Cytogenetic location: 9q21.11.
Variant type: Deletion.
Coding change: c.157del on transcript NM_000144.5 (MANE Select); coding-DNA position 157, one base deleted (C; older notation c.157delC).
Protein change: p.Arg53fs; shifts the reading frame from arginine 53.
Molecular consequence: frameshift variant.
Genome position (GRCh38, 1-based): chr9:69,035,939, C deleted; the last of 4 consecutive C bases (chr9:69,035,936-69,035,939); deleting any one gives the same sequence. VCF-style (leftmost placement, unchanged base first): chr9-69035935-GC-G. GRCh37 (hg19) VCF-style: chr9-71650851-GC-G.
Other names: c.157del, p.Arg53fs (NM_181425.3); short protein forms R53fs.
Identifiers: ClinVar variation 3985 (VCV000003985.42), dbSNP rs141935559, ClinGen allele CA10575483.